The following is an entry in ClinVar:

NM_001378454.1(ALMS1):c.3233C>T (p.Ala1078Val)

Gene: ALMS1 (ALMS1 centrosome and basal body associated protein; plus strand). Cytogenetic location: 2p13.1.
Variant type: single nucleotide variant.
Coding change: c.3233C>T on transcript NM_001378454.1 (MANE Select); coding-DNA position 3233, C replaced by T.
Protein change: p.Ala1078Val; replaces alanine 1078 with valine.
Molecular consequence: missense variant.
Genome position (GRCh38, 1-based): chr2:73,449,760, C>T. VCF-style: chr2-73449760-C-T. GRCh37 (hg19) VCF-style: chr2-73676887-C-T.
Other names: c.3236C>T, p.Ala1079Val (NM_015120.4); short protein forms A1079V, A1078V.
Identifiers: ClinVar variation 2148900 (VCV002148900.2), dbSNP rs1671888166, ClinGen allele CA347274420.

ClinVar aggregate classification (germline): Conflicting classifications of pathogenicity. Review status: criteria provided, conflicting classifications (1 of 4 stars). 2 submissions from 2 submitters: Uncertain significance (1); Likely benign (1). Last evaluated 2023-11-20.

Conditions:
Cardiovascular phenotype. Identifiers: MedGen CN230736.
Alstrom syndrome (ALMS). Identifiers: Orphanet 64, MedGen C0268425, MONDO:0008763, OMIM 203800.

Allele frequency attached by ClinVar (database versions not stated): TOPMed below 0.00001.

Submissions (2):

Ambry Genetics
Classification: Likely benign for Cardiovascular phenotype. Last evaluated: 2023-11-20. Review status: criteria provided, single submitter. Criteria: Ambry Variant Classification Scheme 2023. Collection method: clinical testing. Allele origin: germline.

Labcorp Genetics (formerly Invitae), Labcorp
Classification: Uncertain significance for Alstrom syndrome. Last evaluated: 2022-03-10. Review status: criteria provided, single submitter. Criteria: Invitae Variant Classification Sherloc (09022015). Collection method: clinical testing. Allele origin: germline.
Comment: This sequence change replaces alanine, which is neutral and non-polar, with valine, which is neutral and non-polar, at codon 1079 of the ALMS1 protein (p.Ala1079Val). This variant is not present in population databases (gnomAD no frequency). This variant has not been reported in the literature in individuals affected with ALMS1-related conditions. Experimental studies and prediction algorithms are not available or were not evaluated, and the functional significance of this variant is currently unknown. In summary, the available evidence is currently insufficient to determine the role of this variant in disease. Therefore, it has been classified as a Variant of Uncertain Significance.